The following is an entry in ClinVar:

ClinVar aggregate classification (germline): Likely benign. Review status: criteria provided, multiple submitters, no conflicts (2 of 4 stars). 3 submissions from 3 submitters: Likely benign (3). Last evaluated 2025-06-29.

Allele frequency attached by ClinVar (database versions not stated): gnomAD exomes 0.00010 and 0.00012; ExAC 0.00012; gnomAD 0.00014 and 0.00015; TOPMed 0.00026; 1000 Genomes Project 0.00040; 1000 Genomes Project 30x 0.00062.
gnomAD v4.1: 169 of 1,610,380 alleles (0.01%); highest among the groups gnomAD compares: Admixed American, 0.043%; no homozygotes.

Submissions (3):

Labcorp Genetics (formerly Invitae), Labcorp
Classification: Likely benign. Last evaluated: 2025-06-29. Review status: criteria provided, single submitter. Criteria: Invitae Variant Classification Sherloc (09022015). Collection method: clinical testing. Allele origin: germline.

Mayo Clinic Laboratories, Mayo Clinic
Classification: Likely benign. Last evaluated: 2025-01-13. Review status: criteria provided, single submitter. Criteria: ACMG Guidelines, 2015. Collection method: clinical testing. Allele origin: germline. Observed: 1 variant allele.
Comment: BP4, BP7

CeGaT Center for Human Genetics Tuebingen
Classification: Likely benign. Last evaluated: 2024-05-01. Review status: criteria provided, single submitter. Criteria: CeGaT Center For Human Genetics Tuebingen Variant Classification Criteria Version 2. Collection method: clinical testing. Allele origin: germline. Affected: yes. Observed: 1 variant allele.
Comment: MME: BP4, BP7

NM_007289.4(MME):c.2052A>G (p.Gln684=)

Gene: MME (membrane metalloendopeptidase; plus strand). Cytogenetic location: 3q25.2.
Variant type: single nucleotide variant.
Coding change: c.2052A>G on transcript NM_007289.4 (MANE Select); coding-DNA position 2052, A replaced by G.
Protein change: p.Gln684=; no amino-acid change (glutamine 684 retained).
Molecular consequence: synonymous variant.
Genome position (GRCh38, 1-based): chr3:155,172,188, A>G. VCF-style: chr3-155172188-A-G. GRCh37 (hg19) VCF-style: chr3-154889977-A-G.
Other names: p.Gln684=; c.2052A>G (NM_007289.3); c.2052A>G, p.Gln684= (NM_000902.5, NM_001354642.2, NM_001354643.1 and 2 more transcripts).
Identifiers: ClinVar variation 1582019 (VCV001582019.28), dbSNP rs191264116, ClinGen allele CA2675730.